The following is an entry in ClinVar:

NM_138387.4(G6PC3):c.566G>A (p.Arg189Gln)

Gene: G6PC3 (glucose-6-phosphatase catalytic subunit 3; plus strand). Cytogenetic location: 17q21.31.
Variant type: single nucleotide variant.
Coding change: c.566G>A on transcript NM_138387.4 (MANE Select); coding-DNA position 566, G replaced by A.
Protein change: p.Arg189Gln; replaces arginine 189 with glutamine.
Molecular consequence: missense variant. On other transcripts: synonymous variant (1).
Genome position (GRCh38, 1-based): chr17:44,075,340, G>A. VCF-style: chr17-44075340-G-A. GRCh37 (hg19) VCF-style: chr17-42152708-G-A.
Other names: c.447G>A, p.Pro149= (NM_001319945.2); c.221G>A, p.Arg74Gln (NM_001384165.1, NM_001384166.1, NM_001384167.1 and 1 more transcripts); short protein forms R189Q, R74Q.
Identifiers: ClinVar variation 262367 (VCV000262367.15), dbSNP rs140294222, ClinGen allele CA8596088.

ClinVar aggregate classification (germline): Conflicting classifications of pathogenicity. Review status: criteria provided, conflicting classifications (1 of 4 stars). 4 submissions from 4 submitters: Uncertain significance (1); Likely benign (3). Last evaluated 2026-02-01.

Conditions:
Autosomal recessive severe congenital neutropenia due to G6PC3 deficiency. Also called: NEUTROPENIA, SEVERE CONGENITAL, 4, AUTOSOMAL RECESSIVE; G6PC3 Deficiency. Identifiers: Orphanet 331176, MedGen C2751630, MONDO:0012930, OMIM 612541.

Allele frequency attached by ClinVar (database versions not stated): 1000 Genomes Project 30x 0.00047; gnomAD exomes 0.00055; ExAC 0.00057; 1000 Genomes Project 0.00060; gnomAD 0.00076 and 0.00083; ESP Exome Variant Server 0.00100; TOPMed 0.00110.

Submissions (4):

Labcorp Genetics (formerly Invitae), Labcorp
Classification: Likely benign for Autosomal recessive severe congenital neutropenia due to G6PC3 deficiency. Last evaluated: 2026-02-01. Review status: criteria provided, single submitter. Criteria: Invitae Variant Classification Sherloc (09022015). Collection method: clinical testing. Allele origin: germline.

Blueprint Genetics
Classification: Likely benign. Last evaluated: 2024-11-07. Review status: criteria provided, single submitter. Criteria: ACMG Guidelines, 2015. Collection method: clinical testing. Allele origin: germline.

Baylor Genetics
Classification: Uncertain significance for Autosomal recessive severe congenital neutropenia due to G6PC3 deficiency. Last evaluated: 2019-09-06. Review status: criteria provided, single submitter. Criteria: ACMG Guidelines, 2015. Collection method: clinical testing. Allele origin: unknown. Affected: yes.
Comment: This variant was determined to be of uncertain significance according to ACMG Guidelines, 2015 [PMID:25741868].

PreventionGenetics, part of Exact Sciences
Classification: Likely benign. Review status: criteria provided, single submitter. Criteria: ACMG Guidelines, 2015. Collection method: clinical testing. Allele origin: germline.